The following is an entry in ClinVar:

NM_194454.3(KRIT1):c.1563G>C (p.Gln521His)

Gene: KRIT1 (KRIT1 ankyrin repeat containing; minus strand). Cytogenetic location: 7q21.2.
Variant type: single nucleotide variant.
Coding change: c.1563G>C on transcript NM_194454.3 (MANE Select); coding-DNA position 1563, G replaced by C.
Protein change: p.Gln521His; replaces glutamine 521 with histidine.
Molecular consequence: missense variant.
Genome position (GRCh38, 1-based): chr7:92,221,902, C>G on the plus strand (G>C on the coding strand, the complement: KRIT1 is on the minus strand). VCF-style: chr7-92221902-C-G. GRCh37 (hg19) VCF-style: chr7-91851216-C-G.
Other names: c.1419G>C, p.Gln473His (NM_001013406.2, NM_001350669.1, NM_001350670.1); c.849G>C, p.Gln283His (NM_001350671.1); c.1563G>C, p.Gln521His (NM_001350672.1, NM_001350673.1, NM_001350674.1 and 26 more transcripts); short protein forms Q521H, Q473H, Q283H.
Identifiers: ClinVar variation 4718710 (VCV004718710.1).

ClinVar aggregate classification (germline): Uncertain significance (1 of 4 stars; one submission).

Conditions:
Cerebral cavernous malformation (CCM). Also called: Cerebral cavernous malformations; Cavernous Hemangioma of Brain; CAVERNOUS ANGIOMA, FAMILIAL; CAVERNOUS ANGIOMATOUS MALFORMATIONS; CEREBRAL CAPILLARY MALFORMATIONS; Cerebral cavernous hemangioma (type). Identifiers: Orphanet 221061, MedGen C2919945, MONDO:0000820, OMIM 116860, HP:0033522.

Submission:

Labcorp Genetics (formerly Invitae), Labcorp
Classification: Uncertain significance for Cerebral cavernous malformation. Last evaluated: 2025-04-30. Review status: criteria provided, single submitter. Criteria: Invitae Variant Classification Sherloc (09022015). Collection method: clinical testing. Allele origin: germline.
Comment: This sequence change replaces glutamine, which is neutral and polar, with histidine, which is basic and polar, at codon 521 of the KRIT1 protein (p.Gln521His). This variant also falls at the last nucleotide of exon 15, which is part of the consensus splice site for this exon. This variant is not present in population databases (gnomAD no frequency). This missense change has been observed in individual(s) with cerebral cavernous malformations (internal data). An algorithm developed to predict the effect of missense changes on protein structure and function (PolyPhen-2) suggests that this variant is likely to be tolerated. Variants that disrupt the consensus splice site are a relatively common cause of aberrant splicing (PMID: 17576681, 9536098). Algorithms developed to predict the effect of sequence changes on RNA splicing suggest that this variant may disrupt the consensus splice site. In summary, the available evidence is currently insufficient to determine the role of this variant in disease. Therefore, it has been classified as a Variant of Uncertain Significance.

Literature cited by the submitters: PubMed 17576681; PubMed 9536098.